The following is an entry in ClinVar:

ClinVar aggregate classification (germline): Likely pathogenic (1 of 4 stars; one submission).

Conditions:
Familial hyperinsulinism. Also called: Congenital hyperinsulinism. Identifiers: Orphanet 276525, MedGen C3888018, MONDO:0017182. Disease mechanism: loss of function.

Allele frequency attached by ClinVar (database versions not stated): gnomAD exomes below 0.00001.
gnomAD v4.1: 2 of 1,614,004 alleles (0.00012%); highest among the groups gnomAD compares: Non-Finnish European, 0.00017%; no homozygotes.

Submission:

Women's Health and Genetics/Laboratory Corporation of America, LabCorp
Classification: Likely pathogenic for Familial hyperinsulinism. Last evaluated: 2023-03-09. Review status: criteria provided, single submitter. Criteria: LabCorp Variant Classification Summary - May 2015. Collection method: clinical testing. Allele origin: germline.
Comment: Variant summary: ABCC8 c.580-2A>G is located in a canonical splice-site and is predicted to affect mRNA splicing resulting in a significantly altered protein due to either exon skipping, shortening, or inclusion of intronic material. Several computational tools predict a significant impact on normal splicing: Four predict the variant abolishes a 3' acceptor site. However, these predictions have yet to be confirmed by functional studies. The variant was absent in 250602 control chromosomes. c.580-2A>G has been reported in the literature as a homozygous and heterozygous individuals affected either Congenital Hyperinsulinim or Neonatal Diabetes (DeFranco_2020). These data indicate that the variant may be associated with disease. To our knowledge, no experimental evidence demonstrating an impact on protein function has been reported. No clinical diagnostic laboratories have submitted clinical-significance assessments for this variant to ClinVar after 2014. Based on the evidence outlined above, the variant was classified as likely pathogenic.

Literature cited by the submitters: PubMed 32027066.

NM_000352.6(ABCC8):c.580-2A>G

Gene: ABCC8 (ATP binding cassette subfamily C member 8; minus strand). Cytogenetic location: 11p15.1.
Variant type: single nucleotide variant.
Coding change: c.580-2A>G on transcript NM_000352.6 (MANE Select); the canonical splice acceptor site of the intron before coding-DNA position 580, A replaced by G.
Molecular consequence: splice acceptor variant.
Genome position (GRCh38, 1-based): chr11:17,461,827, T>C on the plus strand (A>G on the coding strand, the complement: ABCC8 is on the minus strand). VCF-style: chr11-17461827-T-C. GRCh37 (hg19) VCF-style: chr11-17483374-T-C.
Other names: c.580-2A>G (NM_001351297.2, NM_001351296.2, NM_001351295.2 and 1 more transcripts).
Identifiers: ClinVar variation 2501069 (VCV002501069.1), dbSNP rs2496854928, ClinGen allele CA379779539.